The following is an entry in ClinVar:

NM_018897.3(DNAH7):c.5960C>T (p.Thr1987Met)

Gene: DNAH7 (dynein axonemal heavy chain 7; minus strand). Cytogenetic location: 2q32.3.
Variant type: single nucleotide variant.
Coding change: c.5960C>T on transcript NM_018897.3 (MANE Select); coding-DNA position 5960, C replaced by T.
Protein change: p.Thr1987Met; replaces threonine 1987 with methionine.
Molecular consequence: missense variant.
Genome position (GRCh38, 1-based): chr2:195,881,796, G>A on the plus strand (C>T on the coding strand, the complement: DNAH7 is on the minus strand). VCF-style: chr2-195881796-G-A. GRCh37 (hg19) VCF-style: chr2-196746520-G-A.
Other names: short protein forms T1987M.
Identifiers: ClinVar variation 5038505 (VCV005038505.1).

ClinVar aggregate classification (germline): Likely benign (1 of 4 stars; one submission).

gnomAD v4.1: 1,098 of 1,613,134 alleles (0.068%); highest among the groups gnomAD compares: Non-Finnish European, 0.085%; 1 homozygote.

Submission:

CeGaT Center for Human Genetics Tuebingen
Classification: Likely benign. Last evaluated: 2026-08-01. Review status: criteria provided, single submitter. Criteria: CeGaT Center For Human Genetics Tuebingen Variant Classification Criteria Version 2. Collection method: clinical testing. Allele origin: germline. Affected: yes. Observed: 1 variant allele.
Comment: DNAH7: BP4